The following is an entry in ClinVar:

NM_002335.4(LRP5):c.1802-9C>G

Gene: LRP5 (LDL receptor related protein 5; plus strand). Cytogenetic location: 11q13.2.
Variant type: single nucleotide variant.
Coding change: c.1802-9C>G on transcript NM_002335.4 (MANE Select); 9 bases into the intron before coding-DNA position 1802, C replaced by G.
Molecular consequence: intron variant.
Genome position (GRCh38, 1-based): chr11:68,406,515, C>G. VCF-style: chr11-68406515-C-G. GRCh37 (hg19) VCF-style: chr11-68173983-C-G.
Other names: c.59-9C>G (NM_001291902.2).
Identifiers: ClinVar variation 753184 (VCV000753184.9), dbSNP rs200963797, ClinGen allele CA6149457.
Genomic context (GRCh38, chr11:68,406,515, plus strand): 5'-GGCTTGGCCGCACCCCTTTCCCTGCTGGGCTGTTGATGTTTAGACTGGAGCCTCTGTGTT[C>G]GCTTCCAGGAACCAACCCGTGTGCGGACAGGAACGGGGGGTGCAGCCACCTGTGCTTCTT-3'

ClinVar aggregate classification (germline): Conflicting classifications of pathogenicity. Review status: criteria provided, conflicting classifications (1 of 4 stars). 3 submissions from 3 submitters: Uncertain significance (1); Likely benign (1). 1 of the submissions does not count toward it. Last evaluated 2024-12-02.

Conditions:
LRP5-related disorder. Also called: LRP5-related condition.

Allele frequency attached by ClinVar (database versions not stated): TOPMed 0.00001.
gnomAD v4.1: 37 of 1,613,860 alleles (0.0023%); highest among the groups gnomAD compares: Non-Finnish European, 0.0031%; no homozygotes.

Submissions (3):

Labcorp Genetics (formerly Invitae), Labcorp
Classification: Likely benign. Last evaluated: 2024-12-02. Review status: criteria provided, single submitter. Criteria: Invitae Variant Classification Sherloc (09022015). Collection method: clinical testing. Allele origin: germline.

Blueprint Genetics
Classification: Uncertain significance. Last evaluated: 2022-04-08. Review status: criteria provided, single submitter. Criteria: ACMG Guidelines, 2015. Collection method: clinical testing. Allele origin: germline.

PreventionGenetics, part of Exact Sciences
Classification: Likely benign for LRP5-related condition. Last evaluated: 2019-08-21. Review status: no assertion criteria provided. Collection method: clinical testing. Allele origin: germline. Not counted in ClinVar's aggregate classification.
Comment: This variant is classified as likely benign based on ACMG/AMP sequence variant interpretation guidelines (Richards et al. 2015 PMID: 25741868, with internal and published modifications).